The following is an entry in ClinVar:

ClinVar aggregate classification (germline): Uncertain significance. Review status: criteria provided, multiple submitters, no conflicts (2 of 4 stars). 3 submissions from 3 submitters: Uncertain significance (3). Last evaluated 2023-10-05.

Conditions:
Hereditary cancer-predisposing syndrome. Also called: Hereditary neoplastic syndrome; Tumor predisposition; Neoplastic Syndromes, Hereditary; Hereditary Cancer Syndrome. Identifiers: Orphanet 140162, MedGen C0027672, MeSH D009386, MONDO:0015356.

Submissions (3):

Ambry Genetics
Classification: Uncertain significance for Hereditary cancer-predisposing syndrome. Last evaluated: 2023-10-05. Review status: criteria provided, single submitter. Criteria: Ambry Variant Classification Scheme 2023. Collection method: clinical testing. Allele origin: germline.
Comment: The p.S393G variant (also known as c.1177A>G), located in coding exon 12 of the POLE gene, results from an A to G substitution at nucleotide position 1177. The serine at codon 393 is replaced by glycine, an amino acid with similar properties. This amino acid position is not well conserved in available vertebrate species. In addition, this alteration is predicted to be tolerated by in silico analysis. Since supporting evidence is limited at this time, the clinical significance of this alteration remains unclear.

Labcorp Genetics (formerly Invitae), Labcorp
Classification: Uncertain significance. Last evaluated: 2020-12-04. Review status: criteria provided, single submitter. Criteria: Invitae Variant Classification Sherloc (09022015). Collection method: clinical testing. Allele origin: germline.
Comment: In summary, the available evidence is currently insufficient to determine the role of this variant in disease. Therefore, it has been classified as a Variant of Uncertain Significance. Algorithms developed to predict the effect of missense changes on protein structure and function (SIFT, PolyPhen-2, Align-GVGD) all suggest that this variant is likely to be tolerated, but these predictions have not been confirmed by published functional studies and their clinical significance is uncertain. This variant has not been reported in the literature in individuals with POLE-related conditions. This variant is not present in population databases (ExAC no frequency). This sequence change replaces serine with glycine at codon 393 of the POLE protein (p.Ser393Gly). The serine residue is moderately conserved and there is a small physicochemical difference between serine and glycine.

Quest Diagnostics Nichols Institute San Juan Capistrano
Classification: Uncertain significance. Last evaluated: 2020-11-13. Review status: criteria provided, single submitter. Criteria: Quest Diagnostics criteria. Collection method: clinical testing. Allele origin: unknown.

NM_006231.4(POLE):c.1177A>G (p.Ser393Gly)

Gene: POLE (DNA polymerase epsilon, catalytic subunit; minus strand). Cytogenetic location: 12q24.33.
Variant type: single nucleotide variant.
Coding change: c.1177A>G on transcript NM_006231.4 (MANE Select); coding-DNA position 1177, A replaced by G.
Protein change: p.Ser393Gly; replaces serine 393 with glycine.
Molecular consequence: missense variant.
Genome position (GRCh38, 1-based): chr12:132,675,447, T>C on the plus strand (A>G on the coding strand, the complement: POLE is on the minus strand). VCF-style: chr12-132675447-T-C. GRCh37 (hg19) VCF-style: chr12-133252033-T-C.
Other names: short protein forms S393G.
Identifiers: ClinVar variation 954204 (VCV000954204.13), dbSNP rs2043024818, ClinGen allele CA387360860.